The following is an entry in ClinVar:

ClinVar aggregate classification (germline): Uncertain significance. Review status: criteria provided, multiple submitters, no conflicts (2 of 4 stars). 2 submissions from 2 submitters: Uncertain significance (2). Last evaluated 2025-11-17.

Conditions:
Hereditary cancer-predisposing syndrome. Also called: Hereditary neoplastic syndrome; Tumor predisposition; Hereditary Cancer Syndrome; Neoplastic Syndromes, Hereditary. Identifiers: Orphanet 140162, MedGen C0027672, MeSH D009386, MONDO:0015356.

Submissions (2):

Labcorp Genetics (formerly Invitae), Labcorp
Classification: Uncertain significance. Last evaluated: 2025-11-17. Review status: criteria provided, single submitter. Criteria: Invitae Variant Classification Sherloc (09022015). Collection method: clinical testing. Allele origin: germline.
Comment: This sequence change replaces threonine, which is neutral and polar, with alanine, which is neutral and non-polar, at codon 250 of the SMARCB1 protein (p.Thr250Ala). This variant is not present in population databases (gnomAD no frequency). This variant has not been reported in the literature in individuals affected with SMARCB1-related conditions. ClinVar contains an entry for this variant (Variation ID: 2127105). Invitae Evidence Modeling of protein sequence and biophysical properties (such as structural, functional, and spatial information, amino acid conservation, physicochemical variation, residue mobility, and thermodynamic stability) indicates that this missense variant is not expected to disrupt SMARCB1 protein function with a negative predictive value of 80%. In summary, the available evidence is currently insufficient to determine the role of this variant in disease. Therefore, it has been classified as a Variant of Uncertain Significance.

Ambry Genetics
Classification: Uncertain significance for Hereditary cancer-predisposing syndrome. Last evaluated: 2025-07-30. Review status: criteria provided, single submitter. Criteria: Ambry Variant Classification Scheme 2023. Collection method: clinical testing. Allele origin: germline.
Comment: The p.T250A variant (also known as c.748A>G), located in coding exon 6 of the SMARCB1 gene, results from an A to G substitution at nucleotide position 748. The threonine at codon 250 is replaced by alanine, an amino acid with similar properties. This amino acid position is well conserved in available vertebrate species. In addition, this alteration is predicted to be tolerated by in silico analysis. Missense and in-frame variants in SMARCB1 are known to cause neurodevelopmental disorders; however, such associations with rhabdoid tumor predisposition syndrome are exceedingly rare (Kosho T et al. Am J Med Genet C Semin Med Genet. 2014 Sep;166C(3):262-75; Eaton KW et al. Pediatr Blood Cancer. 2011 Jan;56(1):7-15). Based on the supporting evidence, the association of this alteration with Coffin-Siris syndrome is unknown; however, the association of this alteration with SMARCB1-related tumor predisposition syndrome is unlikely.

NM_003073.5(SMARCB1):c.748A>G (p.Thr250Ala)

Gene: SMARCB1 (SWI/SNF related BAF chromatin remodeling complex subunit B1; plus strand). Cytogenetic location: 22q11.23.
Variant type: single nucleotide variant.
Coding change: c.748A>G on transcript NM_003073.5 (MANE Select); coding-DNA position 748, A replaced by G.
Protein change: p.Thr250Ala; replaces threonine 250 with alanine.
Molecular consequence: missense variant.
Genome position (GRCh38, 1-based): chr22:23,816,889, A>G. VCF-style: chr22-23816889-A-G. GRCh37 (hg19) VCF-style: chr22-24159076-A-G.
Other names: c.721A>G, p.Thr241Ala (NM_001007468.3); c.775A>G, p.Thr259Ala (NM_001317946.2); c.802A>G, p.Thr268Ala (NM_001362877.2); short protein forms T259A, T250A, T241A, T268A.
Identifiers: ClinVar variation 2127105 (VCV002127105.7), dbSNP rs2146010240, ClinGen allele CA410901667.